The following is an entry in ClinVar:

NM_031471.6(FERMT3):c.517G>A (p.Val173Met)

Gene: FERMT3 (FERM domain containing kindlin 3; plus strand). Cytogenetic location: 11q13.1.
Variant type: single nucleotide variant.
Coding change: c.517G>A on transcript NM_031471.6 (MANE Select); coding-DNA position 517, G replaced by A.
Protein change: p.Val173Met; replaces valine 173 with methionine.
Molecular consequence: missense variant. On other transcripts: 5 prime UTR variant (2).
Genome position (GRCh38, 1-based): chr11:64,211,277, G>A. VCF-style: chr11-64211277-G-A. GRCh37 (hg19) VCF-style: chr11-63978749-G-A.
Other names: c.517G>A, p.Val173Met (NM_001382361.1, NM_001382362.1, NM_001382448.1 and 1 more transcripts); c.-24G>A (NM_001382363.1, NM_001382364.1); short protein forms V173M.
Identifiers: ClinVar variation 662681 (VCV000662681.9), dbSNP rs756692622, ClinGen allele CA6068801.
Genomic context (GRCh38, chr11:64,211,277, plus strand): 5'-GGCCCGTGAGTCCCAGCCCTGGGGGACAGGCCTGGTTGACTCCCAACCTGCACTCCAGGC[G>A]TGGCACCTGCACTGTTCCGGGGGATGCCAGCTCACTTCTCGGACAGCGCCCAGACTGAGG-3'
Protein context (NP_113659.3, residues 163-183): DLSKVVLAGG[Val173Met]APALFRGMPA

ClinVar aggregate classification (germline): Uncertain significance. Review status: criteria provided, multiple submitters, no conflicts (2 of 4 stars). 2 submissions from 2 submitters: Uncertain significance (2). Last evaluated 2025-04-25.

Conditions:
Leukocyte adhesion deficiency 3. Also called: Leukocyte adhesion deficiency, type III; INTEGRIN ACTIVATION DEFICIENCY DISEASE; LEUKOCYTE ADHESION DEFICIENCY 1 VARIANT. Identifiers: Orphanet 2968, Orphanet 99844, MedGen C2748536, MONDO:0013016, OMIM 612840.
Inborn genetic diseases. Identifiers: MedGen C0950123, MeSH D030342.

Allele frequency attached by ClinVar (database versions not stated): gnomAD exomes 0.00002 and 0.00005; gnomAD 0.00001; TOPMed 0.00003; ExAC 0.00001.
gnomAD v4.1: 69 of 1,613,184 alleles (0.0043%); highest among the groups gnomAD compares: Non-Finnish European, 0.0058%; no homozygotes.

Submissions (2):

Ambry Genetics
Classification: Uncertain significance for Inborn genetic diseases. Last evaluated: 2025-04-25. Review status: criteria provided, single submitter. Criteria: Ambry Variant Classification Scheme 2023. Collection method: clinical testing. Allele origin: germline.

Labcorp Genetics (formerly Invitae), Labcorp
Classification: Uncertain significance for Leukocyte adhesion deficiency 3. Last evaluated: 2022-05-19. Review status: criteria provided, single submitter. Criteria: Invitae Variant Classification Sherloc (09022015). Collection method: clinical testing. Allele origin: germline.
Comment: In summary, the available evidence is currently insufficient to determine the role of this variant in disease. Therefore, it has been classified as a Variant of Uncertain Significance. Algorithms developed to predict the effect of missense changes on protein structure and function output the following: SIFT: "Tolerated"; PolyPhen-2: "Benign"; Align-GVGD: "Class C0". The methionine amino acid residue is found in multiple mammalian species, which suggests that this missense change does not adversely affect protein function. ClinVar contains an entry for this variant (Variation ID: 662681). This variant has not been reported in the literature in individuals affected with FERMT3-related conditions. This variant is present in population databases (rs756692622, gnomAD 0.004%). This sequence change replaces valine, which is neutral and non-polar, with methionine, which is neutral and non-polar, at codon 173 of the FERMT3 protein (p.Val173Met).